The following is an entry in ClinVar:

NM_001082538.3(TCTN1):c.822+57G>A

Gene: TCTN1 (tectonic family member 1; plus strand). Cytogenetic location: 12q24.11.
Variant type: single nucleotide variant.
Coding change: c.822+57G>A on transcript NM_001082538.3 (MANE Select); 57 bases into the intron after coding-DNA position 822, G replaced by A.
Molecular consequence: intron variant.
Genome position (GRCh38, 1-based): chr12:110,634,836, G>A. VCF-style: chr12-110634836-G-A. GRCh37 (hg19) VCF-style: chr12-111072641-G-A.
Other names: c.654+57G>A (NM_001173975.3); c.642+57G>A (NM_001173976.2); c.288+57G>A (NM_001319681.2); c.780+373G>A (NM_024549.6); c.822+57G>A (NM_001082537.3, NM_001319680.2).
Identifiers: ClinVar variation 675109 (VCV000675109.2), dbSNP rs186081395, ClinGen allele CA6786717.

ClinVar aggregate classification (germline): Likely benign. Review status: criteria provided, multiple submitters, no conflicts (2 of 4 stars). 2 submissions from 2 submitters: Likely benign (2). Last evaluated 2018-06-19.

Allele frequency attached by ClinVar (database versions not stated): 1000 Genomes Project 0.00339; 1000 Genomes Project 30x 0.00344; TOPMed 0.00605; gnomAD 0.00703 and 0.00706; gnomAD exomes 0.00772; ExAC 0.00827.
gnomAD v4.1: 11,881 of 1,350,408 alleles (0.88%); highest among the groups gnomAD compares: Non-Finnish European, 1%; 62 homozygotes.

Submissions (2):

GeneDx
Classification: Likely benign. Last evaluated: 2018-06-19. Review status: criteria provided, single submitter. Criteria: GeneDx Variant Classification (06012015). Collection method: clinical testing. Allele origin: germline. Affected: yes.
Comment: This variant is considered likely benign or benign based on one or more of the following criteria: it is a conservative change, it occurs at a poorly conserved position in the protein, it is predicted to be benign by multiple in silico algorithms, and/or has population frequency not consistent with disease.

Breakthrough Genomics
Classification: Likely benign. Review status: criteria provided, single submitter. Criteria: ACMG Guidelines, 2015. Collection method: not provided. Allele origin: germline. Inheritance: Autosomal recessive inheritance. Affected: yes.